The following is an entry in ClinVar:

ClinVar aggregate classification (germline): Uncertain significance (1 of 4 stars; one submission).

Conditions:
Autosomal recessive polycystic kidney disease (ARPKD). Also called: AR polycystic kidney disease. Identifiers: Orphanet 731, Orphanet 8378, MedGen C0085548, MeSH D017044, MONDO:0009889.

Allele frequency attached by ClinVar (database versions not stated): gnomAD exomes 0.00002; TOPMed 0.00002; ExAC 0.00003.
gnomAD v4.1: 32 of 1,613,972 alleles (0.002%); highest among the groups gnomAD compares: East Asian, 0.0089%; no homozygotes.

Submission:

Labcorp Genetics (formerly Invitae), Labcorp
Classification: Uncertain significance for Autosomal recessive polycystic kidney disease. Last evaluated: 2024-06-17. Review status: criteria provided, single submitter. Criteria: Invitae Variant Classification Sherloc (09022015). Collection method: clinical testing. Allele origin: germline.
Comment: This sequence change replaces alanine, which is neutral and non-polar, with valine, which is neutral and non-polar, at codon 3123 of the PKHD1 protein (p.Ala3123Val). This variant is present in population databases (rs779827172, gnomAD 0.02%). This missense change has been observed in individual(s) with clinical features of polycystic kidney disease (PMID: 35778421). Advanced modeling of protein sequence and biophysical properties (such as structural, functional, and spatial information, amino acid conservation, physicochemical variation, residue mobility, and thermodynamic stability) performed at Invitae indicates that this missense variant is not expected to disrupt PKHD1 protein function with a negative predictive value of 95%. In summary, the available evidence is currently insufficient to determine the role of this variant in disease. Therefore, it has been classified as a Variant of Uncertain Significance.

Literature cited by the submitters: PubMed 35778421.

NM_138694.4(PKHD1):c.9368C>T (p.Ala3123Val)

Gene: PKHD1 (PKHD1 ciliary IPT domain containing fibrocystin/polyductin; minus strand). Cytogenetic location: 6p12.3.
Variant type: single nucleotide variant.
Coding change: c.9368C>T on transcript NM_138694.4 (MANE Select); coding-DNA position 9368, C replaced by T.
Protein change: p.Ala3123Val; replaces alanine 3123 with valine.
Molecular consequence: missense variant.
Genome position (GRCh38, 1-based): chr6:51,748,248, G>A on the plus strand (C>T on the coding strand, the complement: PKHD1 is on the minus strand). VCF-style: chr6-51748248-G-A. GRCh37 (hg19) VCF-style: chr6-51613046-G-A.
Other names: c.9368C>T, p.Ala3123Val (NM_170724.3); short protein forms A3123V.
Identifiers: ClinVar variation 2164978 (VCV002164978.2), dbSNP rs779827172, ClinGen allele CA3851400.